The following is an entry in ClinVar:

NM_000458.4(HNF1B):c.241G>T (p.Glu81Ter)

Gene: HNF1B (HNF1 homeobox B; minus strand). Cytogenetic location: 17q12.
Variant type: single nucleotide variant.
Coding change: c.241G>T on transcript NM_000458.4 (MANE Select); coding-DNA position 241, G replaced by T.
Protein change: p.Glu81Ter; replaces glutamic acid 81 with a stop codon.
Molecular consequence: nonsense.
Genome position (GRCh38, 1-based): chr17:37,744,644, C>A on the plus strand (G>T on the coding strand, the complement: HNF1B is on the minus strand). VCF-style: chr17-37744644-C-A. GRCh37 (hg19) VCF-style: chr17-36104635-C-A.
Other names: c.241G>T, p.Glu81Ter (NM_001165923.4, NM_001304286.2); short protein forms E81*.
Identifiers: ClinVar variation 982423 (VCV000982423.2), dbSNP rs2034113963, ClinGen allele CA398753594.

ClinVar aggregate classification (germline): Pathogenic. Review status: criteria provided, multiple submitters, no conflicts (2 of 4 stars). 2 submissions from 2 submitters: Pathogenic (2). Last evaluated 2020-07-31.

Conditions:
Renal cysts and diabetes syndrome (RCAD). Also called: Familial hypoplastic, glomerulocystic kidney; MATURITY-ONSET DIABETES OF THE YOUNG, TYPE 5. Identifiers: Orphanet 93111, MedGen C0431693, MONDO:0007669, OMIM 137920.
Maturity-onset diabetes of the young (MODY). Also called: Maturity onset diabetes mellitus in young. Identifiers: Orphanet 552, MedGen C0342276, MONDO:0018911, HP:0004904.

Submissions (2):

HudsonAlpha Institute for Biotechnology
Classification: Pathogenic for Renal cysts and diabetes syndrome. Last evaluated: 2020-07-31. Review status: criteria provided, single submitter. Criteria: ACMG Guidelines, 2015. Collection method: research. Allele origin: de novo. Affected: yes. Observed: 1 variant allele. Study: CSER-SouthSeq.
Comment: ACMG codes:PVS1, PS2, PM2

Clinical Genomics, Uppaluri K&H Personalized Medicine Clinic
Classification: Pathogenic for Maturity-onset diabetes of the young. Review status: criteria provided, single submitter. Criteria: K & H Uppaluri Personalized Medicine Clinic Variant Classification & Assertion Criteria_Updated V.1. Collection method: research. Allele origin: unknown. Inheritance: Autosomal dominant inheritance.
Comment: HNF1B gene mutations are associated with early onset diabetes and pancreatic atrophy. It is also associated with multiple renal manifestations including renal cysts, Tubulointerstitial disease, glomerulocystic disease, renal hypoplasia, hypomagnesemia. However no sufficient evidence is found to ascertain the role of this particular variant rs2034113963, yet.

Literature cited by the submitters: PubMed 24897035 (cited by Clinical Genomics, Uppaluri K&H Personalized Medicine Clinic); PubMed 25536396 (cited by Clinical Genomics, Uppaluri K&H Personalized Medicine Clinic); PubMed 27615128 (cited by Clinical Genomics, Uppaluri K&H Personalized Medicine Clinic); PubMed 28215227 (cited by Clinical Genomics, Uppaluri K&H Personalized Medicine Clinic); PubMed 33434175 (cited by Clinical Genomics, Uppaluri K&H Personalized Medicine Clinic); PubMed 25741167 (cited by Clinical Genomics, Uppaluri K&H Personalized Medicine Clinic); PubMed 26340261 (cited by Clinical Genomics, Uppaluri K&H Personalized Medicine Clinic); PubMed 19639018 (cited by Clinical Genomics, Uppaluri K&H Personalized Medicine Clinic).